The following is an entry in ClinVar:

ClinVar aggregate classification (germline): Uncertain significance. Review status: criteria provided, multiple submitters, no conflicts (2 of 4 stars). 6 submissions from 6 submitters: Uncertain significance (6). Last evaluated 2026-04-14.

Conditions:
TTN-related disorder. Also called: TTN-related condition; TTN-related disease; TTN-related disorders.

gnomAD v4.1: 16 of 1,608,466 alleles (0.00099%); highest among the groups gnomAD compares: Admixed American, 0.0084%; no homozygotes.

Submissions (6):

PreventionGenetics, part of Exact Sciences
Classification: Uncertain significance for TTN-related condition. Last evaluated: 2026-04-14. Review status: criteria provided, single submitter. Criteria: ACMG Guidelines, 2015. Collection method: clinical testing. Allele origin: germline.
Comment: The TTN c.23675T>G variant is predicted to result in the amino acid substitution p.Ile7892Arg. To our knowledge, this variant has not been reported in the literature. This variant is reported in 0.013% of alleles in individuals of African descent in gnomAD. At this time, the clinical significance of this variant is uncertain due to the absence of conclusive functional and genetic evidence.

Women's Health and Genetics/Laboratory Corporation of America, LabCorp
Classification: Uncertain significance. Last evaluated: 2026-03-25. Review status: criteria provided, single submitter. Criteria: LabCorp Variant Classification Summary - May 2015. Collection method: clinical testing. Allele origin: germline.
Comment: Variant summary: TTN NM_133378 c.19943T>G (p.Ile6648Arg), also known as NM_001267550 c.23675T>G (p.Ile7892Arg), results in a non-conservative amino acid change located in the the I-band region of the encoded protein sequence. Algorithms developed to predict the effect of missense changes on protein structure and function are either unavailable or do not agree on the potential impact of this missense change. The variant allele was found at a frequency of 1.6e-05 in 244710 control chromosomes. The available data on variant occurrences in the general population are insufficient to allow any conclusion about variant significance. To our knowledge, no occurrence of c.19943T>G in individuals affected with TTN-related conditions and no experimental evidence demonstrating its impact on protein function have been reported. ClinVar contains an entry for this variant (Variation ID: 2437802). Based on the evidence outlined above, the variant was classified as uncertain significance.

GeneDx
Classification: Uncertain significance. Last evaluated: 2026-02-18. Review status: criteria provided, single submitter. Criteria: GeneDx Variant Classification Process June 2021. Collection method: clinical testing. Allele origin: germline.
Comment: Not observed at significant frequency in large population cohorts (gnomAD); Missense variant in a gene in which most reported pathogenic variants are truncating/loss of function; Has not been previously published as pathogenic or benign to our knowledge

Dasa
Classification: Uncertain significance. Last evaluated: 2025-12-20. Review status: criteria provided, single submitter. Criteria: DASA Assertion Criteria. Collection method: clinical testing. Allele origin: germline.
Comment: NM_001267550.2(TTN):c.23675T>G (p.Ile7892Arg) is a missense variant that results in the substitution of isoleucine with arginine. This variant is rare in population databases. Computational prediction algorithms are consistent with a benign effect. The currently available literature and clinical evidence are not sufficient to establish a definitive association between this variant and the reported condition. Therefore, this variant is classified as a variant of uncertain significance.

ARUP Laboratories, Molecular Genetics and Genomics, ARUP Laboratories
Classification: Uncertain significance. Last evaluated: 2023-09-28. Review status: criteria provided, single submitter. Criteria: ARUP Molecular Germline Variant Investigation Process 2024. Collection method: clinical testing. Allele origin: germline.
Comment: The TTN c.23675T>G; p.Ile7892Arg variant (rs201181445) is rare in the general population (<0.2% allele frequency in the Genome Aggregation Database) and has not been reported in the medical literature in association with dilated cardiomyopathy (DCM) or other TTN-related disease. The clinical relevance of rare missense variants in this gene, which are identified on average once per individual sequenced in affected populations (Herman 2012), is not well understood. Yet, evidence suggests that the vast majority of such missense variants do not contribute to the clinical outcome of DCM (Begay 2015). Thus, the clinical significance of the p.Ile7892Arg variant cannot be determined with certainty.

Revvity Omics, Revvity
Classification: Uncertain significance. Last evaluated: 2019-04-24. Review status: criteria provided, single submitter. Criteria: ACMG Guidelines, 2015. Collection method: clinical testing. Allele origin: germline.

NM_001267550.2(TTN):c.23675T>G (p.Ile7892Arg)

Gene: TTN (titin; minus strand). Cytogenetic location: 2q31.2.
Variant type: single nucleotide variant.
Coding change: c.23675T>G on transcript NM_001267550.2 (MANE Select); coding-DNA position 23675, T replaced by G.
Protein change: p.Ile7892Arg; replaces isoleucine 7892 with arginine.
Molecular consequence: missense variant. On other transcripts: intron variant (3).
Genome position (GRCh38, 1-based): chr2:178,719,817, A>C on the plus strand (T>G on the coding strand, the complement: TTN is on the minus strand). VCF-style: chr2-178719817-A-C. GRCh37 (hg19) VCF-style: chr2-179584544-A-C.
Other names: c.22724T>G, p.Ile7575Arg (NM_001256850.1); c.19943T>G, p.Ile6648Arg (NM_133378.4); c.13282+18265T>G (NM_003319.4); c.13858+18265T>G (NM_133437.4); c.13657+18265T>G (NM_133432.3); short protein forms I6648R, I7575R, I7892R.
Identifiers: ClinVar variation 2437802 (VCV002437802.9), dbSNP rs201181445, ClinGen allele CA2000580.